The following is an entry in ClinVar:

ClinVar aggregate classification (germline): Uncertain significance. Review status: criteria provided, multiple submitters, no conflicts (2 of 4 stars). 2 submissions from 2 submitters: Uncertain significance (2). Last evaluated 2025-05-05.

Conditions:
Inborn genetic diseases. Identifiers: MedGen C0950123, MeSH D030342.

Allele frequency attached by ClinVar (database versions not stated): TOPMed 0.00006; gnomAD 0.00007; ESP Exome Variant Server 0.00008; ExAC 0.00004.
gnomAD v4.1: 65 of 1,596,124 alleles (0.0041%); highest among the groups gnomAD compares: Middle Eastern, 0.017%; no homozygotes.

Submissions (2):

Ambry Genetics
Classification: Uncertain significance for Inborn genetic diseases. Last evaluated: 2025-05-05. Review status: criteria provided, single submitter. Criteria: Ambry Variant Classification Scheme 2023. Collection method: clinical testing. Allele origin: germline.

Labcorp Genetics (formerly Invitae), Labcorp
Classification: Uncertain significance. Last evaluated: 2022-05-25. Review status: criteria provided, single submitter. Criteria: Invitae Variant Classification Sherloc (09022015). Collection method: clinical testing. Allele origin: germline.
Comment: This sequence change replaces glycine, which is neutral and non-polar, with serine, which is neutral and polar, at codon 493 of the CREB3L1 protein (p.Gly493Ser). This variant is present in population databases (rs368441030, gnomAD 0.01%). This variant has not been reported in the literature in individuals affected with CREB3L1-related conditions. Algorithms developed to predict the effect of missense changes on protein structure and function output the following: SIFT: "Tolerated"; PolyPhen-2: "Benign"; Align-GVGD: "Class C0". The serine amino acid residue is found in multiple mammalian species, which suggests that this missense change does not adversely affect protein function. In summary, the available evidence is currently insufficient to determine the role of this variant in disease. Therefore, it has been classified as a Variant of Uncertain Significance.

NM_052854.4(CREB3L1):c.1477G>A (p.Gly493Ser)

Gene: CREB3L1 (cAMP responsive element binding protein 3 like 1; plus strand). Cytogenetic location: 11p11.2.
Variant type: single nucleotide variant.
Coding change: c.1477G>A on transcript NM_052854.4 (MANE Select); coding-DNA position 1477, G replaced by A.
Protein change: p.Gly493Ser; replaces glycine 493 with serine.
Molecular consequence: missense variant.
Genome position (GRCh38, 1-based): chr11:46,320,482, G>A. VCF-style: chr11-46320482-G-A. GRCh37 (hg19) VCF-style: chr11-46342033-G-A.
Other names: c.1477G>A (NM_052854.2); short protein forms G493S.
Identifiers: ClinVar variation 2060080 (VCV002060080.2), dbSNP rs368441030, ClinGen allele CA5961892.